The following is an entry in ClinVar:

NM_006904.7(PRKDC):c.1936G>A (p.Val646Met)

Gene: PRKDC (protein kinase, DNA-activated, catalytic subunit; minus strand). Cytogenetic location: 8q11.21.
Variant type: single nucleotide variant.
Coding change: c.1936G>A on transcript NM_006904.7 (MANE Select); coding-DNA position 1936, G replaced by A.
Protein change: p.Val646Met; replaces valine 646 with methionine.
Molecular consequence: missense variant.
Genome position (GRCh38, 1-based): chr8:47,929,969, C>T on the plus strand (G>A on the coding strand, the complement: PRKDC is on the minus strand). VCF-style: chr8-47929969-C-T. GRCh37 (hg19) VCF-style: chr8-48842529-C-T.
Other names: c.1936G>A, p.Val646Met (NM_001081640.2); short protein forms V646M.
Identifiers: ClinVar variation 1782969 (VCV001782969.2), dbSNP rs1174478130, ClinGen allele CA371164325.

ClinVar aggregate classification (germline): Uncertain significance (1 of 4 stars; one submission).

Submission:

Ambry Genetics
Classification: Uncertain significance. Last evaluated: 2022-02-26. Review status: criteria provided, single submitter. Criteria: Ambry Variant Classification Scheme 2023. Collection method: clinical testing. Allele origin: germline.
Comment: The p.V646M variant (also known as c.1936G>A), located in coding exon 18 of the PRKDC gene, results from a G to A substitution at nucleotide position 1936. The valine at codon 646 is replaced by methionine, an amino acid with highly similar properties. This amino acid position is conserved. In addition, this alteration is predicted to be tolerated by in silico analysis. Since supporting evidence is limited at this time, the clinical significance of this alteration remains unclear.